The following is an entry in ClinVar:

ClinVar aggregate classification (germline): Uncertain significance. Review status: criteria provided, multiple submitters, no conflicts (2 of 4 stars). 6 submissions from 6 submitters: Uncertain significance (6). Last evaluated 2025-12-11.

Conditions:
Multiple endocrine neoplasia type 4. Also called: MULTIPLE ENDOCRINE NEOPLASIA, TYPE IV. Identifiers: Orphanet 276152, MedGen C1970712, MONDO:0012552, OMIM 610755.
Hereditary cancer-predisposing syndrome. Also called: Neoplastic Syndromes, Hereditary; Hereditary Cancer Syndrome; Hereditary neoplastic syndrome; Tumor predisposition. Identifiers: Orphanet 140162, MedGen C0027672, MeSH D009386, MONDO:0015356.

Allele frequency attached by ClinVar (database versions not stated): TOPMed 0.00002.

Submissions (6):

Ambry Genetics
Classification: Uncertain significance for Hereditary cancer-predisposing syndrome. Last evaluated: 2025-12-11. Review status: criteria provided, single submitter. Criteria: Ambry Variant Classification Scheme 2023. Collection method: clinical testing. Allele origin: germline.

Labcorp Genetics (formerly Invitae), Labcorp
Classification: Uncertain significance for Multiple endocrine neoplasia type 4. Last evaluated: 2025-10-09. Review status: criteria provided, single submitter. Criteria: Invitae Variant Classification Sherloc (09022015). Collection method: clinical testing. Allele origin: germline.
Comment: This sequence change replaces threonine, which is neutral and polar, with methionine, which is neutral and non-polar, at codon 198 of the CDKN1B protein (p.Thr198Met). This variant is not present in population databases (gnomAD no frequency). This variant has not been reported in the literature in individuals affected with CDKN1B-related conditions. ClinVar contains an entry for this variant (Variation ID: 826066). An algorithm developed to predict the effect of missense changes on protein structure and function (PolyPhen-2) suggests that this variant is likely to be disruptive. In summary, the available evidence is currently insufficient to determine the role of this variant in disease. Therefore, it has been classified as a Variant of Uncertain Significance.

GeneDx
Classification: Uncertain significance. Last evaluated: 2024-10-08. Review status: criteria provided, single submitter. Criteria: GeneDx Variant Classification Process June 2021. Collection method: clinical testing. Allele origin: germline. Affected: yes.
Comment: Not observed at significant frequency in large population cohorts (gnomAD); In silico analysis indicates that this missense variant does not alter protein structure/function; Has not been previously published as pathogenic or benign to our knowledge

Quest Diagnostics Nichols Institute San Juan Capistrano
Classification: Uncertain significance. Last evaluated: 2024-09-30. Review status: criteria provided, single submitter. Criteria: Quest Diagnostics criteria. Collection method: clinical testing. Allele origin: unknown.
Comment: The CDKN1B c.593C>T (p.Thr198Met) variant has not been reported in individuals with CDKN1B-related conditions in the published literature. The frequency of this variant in the general population, 0.000013 (2/152152 chromosomes (Genome Aggregation Database)), is uninformative in the assessment of its pathogenicity. Analysis of this variant using bioinformatics tools for the prediction of the effect of amino acid changes on protein structure and function yielded conflicting predictions that this variant is benign or damaging. Based on the available information, we are unable to determine the clinical significance of this variant.

Fulgent Genetics
Classification: Uncertain significance for Multiple endocrine neoplasia type 4. Last evaluated: 2024-06-20. Review status: criteria provided, single submitter. Criteria: ACMG Guidelines, 2015. Collection method: clinical testing. Allele origin: germline.

Institute for Genomic Medicine (IGM) Clinical Laboratory, Nationwide Children's Hospital
Classification: Uncertain significance for Multiple endocrine neoplasia type 4. Last evaluated: 2023-02-24. Review status: criteria provided, single submitter. Criteria: ACMG Guidelines, 2015. Collection method: clinical testing. Allele origin: germline.
Comment: This variant is absent from or present at an exceedingly low frequency in gnomAD, a large-scale control population database (ACMG/AMP: PM2). This variant results in a missense alteration in a gene for which primarily truncating variants are known to cause disease (ACMG/AMP: BP1).

NM_004064.5(CDKN1B):c.593C>T (p.Thr198Met)

Gene: CDKN1B (cyclin dependent kinase inhibitor 1B; plus strand). Cytogenetic location: 12p13.1.
Variant type: single nucleotide variant.
Coding change: c.593C>T on transcript NM_004064.5 (MANE Select); coding-DNA position 593, C replaced by T.
Protein change: p.Thr198Met; replaces threonine 198 with methionine.
Molecular consequence: missense variant.
Genome position (GRCh38, 1-based): chr12:12,718,942, C>T. VCF-style: chr12-12718942-C-T. GRCh37 (hg19) VCF-style: chr12-12871876-C-T.
Other names: short protein forms T198M.
Identifiers: ClinVar variation 826066 (VCV000826066.20), dbSNP rs1197510010, ClinGen allele CA383973241.